The following is an entry in ClinVar:

NM_207111.4(RNF216):c.445A>C (p.Ser149Arg)

Gene: RNF216 (ring finger protein 216; minus strand). Cytogenetic location: 7p22.1.
Variant type: single nucleotide variant.
Coding change: c.445A>C on transcript NM_207111.4 (MANE Select); coding-DNA position 445, A replaced by C.
Protein change: p.Ser149Arg; replaces serine 149 with arginine.
Molecular consequence: missense variant.
Genome position (GRCh38, 1-based): chr7:5,741,572, T>G on the plus strand (A>C on the coding strand, the complement: RNF216 is on the minus strand). VCF-style: chr7-5741572-T-G. GRCh37 (hg19) VCF-style: chr7-5781203-T-G.
Other names: c.274A>C, p.Ser92Arg (NM_207116.3); short protein forms S149R, S92R.
Identifiers: ClinVar variation 669433 (VCV000669433.25), dbSNP rs558822123, ClinGen allele CA4148534.

ClinVar aggregate classification (germline): Benign/Likely benign. Review status: criteria provided, multiple submitters, no conflicts (2 of 4 stars). 3 submissions from 3 submitters: Benign (2); Likely benign (1). Last evaluated 2025-06-02.

Allele frequency attached by ClinVar (database versions not stated): gnomAD 0.00002 and 0.00040; TOPMed 0.00002; gnomAD exomes 0.00069 and 0.00139; ExAC 0.00152; 1000 Genomes Project 0.00220; 1000 Genomes Project 30x 0.00234.
gnomAD v4.1: 1,079 of 1,614,156 alleles (0.067%); highest among the groups gnomAD compares: South Asian, 1.1%; 18 homozygotes.

Submissions (3):

Labcorp Genetics (formerly Invitae), Labcorp
Classification: Benign. Last evaluated: 2025-06-02. Review status: criteria provided, single submitter. Criteria: Invitae Variant Classification Sherloc (09022015). Collection method: clinical testing. Allele origin: germline.

CeGaT Center for Human Genetics Tuebingen
Classification: Benign. Last evaluated: 2024-10-01. Review status: criteria provided, single submitter. Criteria: CeGaT Center For Human Genetics Tuebingen Variant Classification Criteria Version 2. Collection method: clinical testing. Allele origin: germline. Affected: yes. Observed: 1 variant allele.
Comment: RNF216: BP4, BS1, BS2

GeneDx
Classification: Likely benign. Last evaluated: 2018-03-05. Review status: criteria provided, single submitter. Criteria: GeneDx Variant Classification (06012015). Collection method: clinical testing. Allele origin: germline. Affected: yes.
Comment: This variant is considered likely benign or benign based on one or more of the following criteria: it is a conservative change, it occurs at a poorly conserved position in the protein, it is predicted to be benign by multiple in silico algorithms, and/or has population frequency not consistent with disease.